The following is an entry in ClinVar:

ClinVar aggregate classification (germline): Benign/Likely benign. Review status: criteria provided, multiple submitters, no conflicts (2 of 4 stars). 10 submissions from 10 submitters: Benign (1); Likely benign (6). 3 of the submissions do not count toward it. Last evaluated 2026-08-01.

Conditions:
FOXH1-related disorder. Also called: FOXH1-related condition.
Holoprosencephaly sequence (HPE). Also called: Holoprosencephaly. Identifiers: Orphanet 2162, MedGen C0079541, MONDO:0016296, HP:0001360.

Allele frequency attached by ClinVar (database versions not stated): 1000 Genomes Project 0.00040; 1000 Genomes Project 30x 0.00047; ESP Exome Variant Server 0.00115; ExAC 0.00141; TOPMed 0.00159.

Submissions (10):

CeGaT Center for Human Genetics Tuebingen
Classification: Likely benign. Last evaluated: 2026-08-01. Review status: criteria provided, single submitter. Criteria: CeGaT Center For Human Genetics Tuebingen Variant Classification Criteria Version 2. Collection method: clinical testing. Allele origin: germline. Affected: yes. Observed: 3 variant alleles.
Comment: FOXH1: BS1

Labcorp Genetics (formerly Invitae), Labcorp
Classification: Likely benign for Holoprosencephaly sequence. Last evaluated: 2025-12-19. Review status: criteria provided, single submitter. Criteria: Invitae Variant Classification Sherloc (09022015). Collection method: clinical testing. Allele origin: germline.

PreventionGenetics, part of Exact Sciences
Classification: Likely benign for FOXH1-related condition. Last evaluated: 2025-03-12. Review status: criteria provided, single submitter. Criteria: ACMG Guidelines, 2015. Collection method: clinical testing. Allele origin: germline.
Comment: This variant is classified as likely benign based on ACMG/AMP sequence variant interpretation guidelines (Richards et al. 2015 PMID: 25741868, with internal and published modifications).

Blueprint Genetics
Classification: Likely benign. Last evaluated: 2024-11-26. Review status: criteria provided, single submitter. Criteria: ACMG Guidelines, 2015. Collection method: clinical testing. Allele origin: germline.

Illumina Laboratory Services, Illumina
Classification: Benign for Holoprosencephaly sequence. Last evaluated: 2018-03-06. Review status: criteria provided, single submitter. Criteria: ICSL Variant Classification Criteria 13 December 2019. Collection method: clinical testing. Allele origin: germline.
Comment: This variant was observed in the ICSL laboratory as part of a predisposition screen in an ostensibly healthy population. It had not been previously curated by ICSL or reported in the Human Gene Mutation Database (HGMD: prior to June 1st, 2018), and was therefore a candidate for classification through an automated scoring system. Utilizing variant allele frequency, disease prevalence and penetrance estimates, and inheritance mode, an automated score was calculated to assess if this variant is too frequent to cause the disease. Based on the score and internal cut-off values, a variant classified as benign is not then subjected to further curation. The score for this variant resulted in a classification of benign for this disease.

GeneDx
Classification: Likely benign. Last evaluated: 2017-08-02. Review status: criteria provided, single submitter. Criteria: GeneDx Variant Classification (06012015). Collection method: clinical testing. Allele origin: germline. Affected: yes.
Comment: This variant is considered likely benign or benign based on one or more of the following criteria: it is a conservative change, it occurs at a poorly conserved position in the protein, it is predicted to be benign by multiple in silico algorithms, and/or has population frequency not consistent with disease.

Eurofins Ntd Llc (ga)
Classification: Likely benign. Last evaluated: 2015-10-14. Review status: criteria provided, single submitter. Criteria: EGL Classification Definitions 2015. Collection method: clinical testing. Allele origin: germline. Observed: 2 variant alleles, 2 heterozygotes.

Clinical Genetics DNA and cytogenetics Diagnostics Lab, Erasmus MC, Erasmus Medical Center
Classification: Likely benign. Review status: no assertion criteria provided. Collection method: clinical testing. Allele origin: germline. Affected: yes. Study: VKGL Data-share Consensus. Not counted in ClinVar's aggregate classification.

Diagnostic Laboratory, Department of Genetics, University Medical Center Groningen
Classification: Likely benign. Review status: no assertion criteria provided. Collection method: clinical testing. Allele origin: germline. Affected: yes. Study: VKGL Data-share Consensus. Not counted in ClinVar's aggregate classification.

Joint Genome Diagnostic Labs from Nijmegen and Maastricht, Radboudumc and MUMC+
Classification: Likely benign. Review status: no assertion criteria provided. Collection method: clinical testing. Allele origin: germline. Affected: yes. Study: VKGL Data-share Consensus. Not counted in ClinVar's aggregate classification.

NM_003923.3(FOXH1):c.984C>G (p.Asp328Glu)

Gene: FOXH1 (forkhead box H1; minus strand). Cytogenetic location: 8q24.3.
Variant type: single nucleotide variant.
Coding change: c.984C>G on transcript NM_003923.3 (MANE Select); coding-DNA position 984, C replaced by G.
Protein change: p.Asp328Glu; replaces aspartic acid 328 with glutamic acid.
Molecular consequence: missense variant.
Genome position (GRCh38, 1-based): chr8:144,474,352, G>C on the plus strand (C>G on the coding strand, the complement: FOXH1 is on the minus strand). VCF-style: chr8-144474352-G-C. GRCh37 (hg19) VCF-style: chr8-145699735-G-C.
Other names: short protein forms D328E.
Identifiers: ClinVar variation 281145 (VCV000281145.33), dbSNP rs117754060, ClinGen allele CA4945383.
Genomic context (GRCh38, chr8:144,474,352, plus strand): 5'-AGGGTGGCTGACCCAAACGTCGTAGATGCTTTTGTTGGGTGGCACCCCTTGGAAGAGGGC[G>C]TCTAGATCGCAGAGCAGCCCTGGGGGCCCTCGGGTTTCAGGGGCCACCCCCCAGTAGGCA-3'
Protein context (NP_003914.1, residues 318-338): RGPPGLLCDL[Asp328Glu]ALFQGVPPNK